The following is an entry in ClinVar:

NM_000143.4(FH):c.473_474delinsAA (p.Ser158Lys)

Gene: FH (fumarate hydratase; minus strand). Cytogenetic location: 1q43.
Variant type: Indel.
Coding change: c.473_474delinsAA on transcript NM_000143.4 (MANE Select); coding-DNA positions 473 to 474, GC replaced by AA.
Protein change: p.Ser158Lys; replaces serine 158 with lysine.
Molecular consequence: missense variant.
Genome position (GRCh38, 1-based): chr1:241,512,048-241,512,049, GC replaced by TT on the plus strand (GC replaced by AA on the coding strand, the reverse complement: FH is on the minus strand). VCF-style: chr1-241512048-GC-TT. GRCh37 (hg19) VCF-style: chr1-241675348-GC-TT.
Other names: short protein forms S158K.
Identifiers: ClinVar variation 2865119 (VCV002865119.3), dbSNP rs2527332645, ClinGen allele CA2739274054.
Genomic context (GRCh38, chr1:241,512,048, plus strand): 5'-GTTGGGATGCACAGGTATCTTGCTGCCAAGTTCACCTCCTAACATTTCAATTGCTCTATT[GC>TT]TAATGACTTCATTTACATTCATATTTGTCTGAGTTCCTGATCCAGTCTGCCATACCACGA-3'
Protein context (NP_000134.2, residues 148-168): QTNMNVNEVI[Ser158Lys]NRAIEMLGGE

ClinVar aggregate classification (germline): Uncertain significance (1 of 4 stars; one submission).

Submission:

Labcorp Genetics (formerly Invitae), Labcorp
Classification: Uncertain significance. Last evaluated: 2024-02-11. Review status: criteria provided, single submitter. Criteria: Invitae Variant Classification Sherloc (09022015). Collection method: clinical testing. Allele origin: germline.
Comment: This sequence change replaces serine, which is neutral and polar, with lysine, which is basic and polar, at codon 158 of the FH protein (p.Ser158Lys). Information on the frequency of this variant in the gnomAD database is not available, as this variant may be reported differently in the database. This variant has not been reported in the literature in individuals affected with FH-related conditions. An algorithm developed to predict the effect of missense changes on protein structure and function (PolyPhen-2) suggests that this variant is likely to be disruptive. This variant disrupts the p.Ser158 amino acid residue in FH. Other variant(s) that disrupt this residue have been determined to be pathogenic (PMID: 14632190; Invitae). This suggests that this residue is clinically significant, and that variants that disrupt this residue are likely to be disease-causing. In summary, the available evidence is currently insufficient to determine the role of this variant in disease. Therefore, it has been classified as a Variant of Uncertain Significance.

Literature cited by the submitters: PubMed 14632190.